The following is an entry in ClinVar:

NM_182916.3(TRNT1):c.1019del (p.Ser339_Ser340insTer)

Gene: TRNT1 (tRNA nucleotidyl transferase 1; plus strand). Cytogenetic location: 3p26.2.
Variant type: Deletion.
Coding change: c.1019del on transcript NM_182916.3 (MANE Select); coding-DNA position 1019, one base deleted (C; older notation c.1019delC).
Protein change: p.Ser339_Ser340insTer.
Molecular consequence: nonsense. On other transcripts: non-coding transcript variant (8).
Genome position (GRCh38, 1-based): chr3:3,147,666, C deleted. VCF-style (leftmost placement, unchanged base first): chr3-3147665-TC-T. GRCh37 (hg19) VCF-style: chr3-3189349-TC-T.
Other names: c.959del, p.Ser319_Ser320insTer (NM_001302946.2); c.1019del, p.Ser339_Ser340insTer (NM_001367321.1, NM_001367322.1, NM_001367323.1).
Identifiers: ClinVar variation 852873 (VCV000852873.6), dbSNP rs755536381, ClinGen allele CA2228847.

ClinVar aggregate classification (germline): Pathogenic (1 of 4 stars; one submission).

Conditions:
Congenital sideroblastic anemia-B-cell immunodeficiency-periodic fever-developmental delay syndrome. Also called: Sideroblastic anemia with B-cell immunodeficiency, periodic fevers, and developmental delay. Identifiers: Orphanet 369861, MedGen C4015172, MONDO:0014487, OMIM 616084.

Allele frequency attached by ClinVar (database versions not stated): gnomAD exomes 0.00010 and 0.00002; ExAC 0.00002; TOPMed 0.00001; gnomAD 0.00002.

Submission:

Labcorp Genetics (formerly Invitae), Labcorp
Classification: Pathogenic for Congenital sideroblastic anemia-B-cell immunodeficiency-periodic fever-developmental delay syndrome. Last evaluated: 2025-01-12. Review status: criteria provided, single submitter. Criteria: Invitae Variant Classification Sherloc (09022015). Collection method: clinical testing. Allele origin: germline.
Comment: This sequence change creates a premature translational stop signal (p.Ser340*) in the TRNT1 gene. While this is not anticipated to result in nonsense mediated decay, it is expected to disrupt the last 95 amino acid(s) of the TRNT1 protein. This variant is present in population databases (rs755536381, gnomAD 0.005%). This variant has not been reported in the literature in individuals affected with TRNT1-related conditions. ClinVar contains an entry for this variant (Variation ID: 852873). Algorithms developed to predict the effect of sequence changes on RNA splicing suggest that this variant may disrupt the consensus splice site. This variant disrupts a region of the TRNT1 protein in which other variant(s) (p.Ser418Lysfs*9) have been determined to be pathogenic (PMID: 25193871, 29358286). This suggests that this is a clinically significant region of the protein, and that variants that disrupt it are likely to be disease-causing. For these reasons, this variant has been classified as Pathogenic.

Literature cited by the submitters: PubMed 25193871; PubMed 29358286.